The following is an entry in ClinVar:

NM_001080467.3(MYO5B):c.266T>C (p.Leu89Ser)

Gene: MYO5B (myosin VB; minus strand). Cytogenetic location: 18q21.1.
Variant type: single nucleotide variant.
Coding change: c.266T>C on transcript NM_001080467.3 (MANE Select); coding-DNA position 266, T replaced by C.
Protein change: p.Leu89Ser; replaces leucine 89 with serine.
Molecular consequence: missense variant.
Genome position (GRCh38, 1-based): chr18:50,040,187, A>G on the plus strand (T>C on the coding strand, the complement: MYO5B is on the minus strand). VCF-style: chr18-50040187-A-G. GRCh37 (hg19) VCF-style: chr18-47566557-A-G.
Other names: short protein forms L89S.
Identifiers: ClinVar variation 3255328 (VCV003255328.2).

ClinVar aggregate classification (germline): Conflicting classifications of pathogenicity. Review status: criteria provided, conflicting classifications (1 of 4 stars). 2 submissions from 2 submitters: Likely pathogenic (1); Uncertain significance (1). Last evaluated 2025-03-21.

Conditions:
Cholestasis, progressive familial intrahepatic, 10 (PFIC10). Identifiers: MedGen C5676981, MONDO:0030810, OMIM 619868.
Congenital microvillous atrophy (DIAR2). Also called: CONGENITAL FAMILIAL PROTRACTED DIARRHEA WITH ENTEROCYTE BRUSH-BORDER ABNORMALITIES; DAVIDSON DISEASE; MICROVILLUS ATROPHY, CONGENITAL; Microvillus inclusion disease; Diarrhea 2 with microvillus atrophy, with or without cholestasis. Identifiers: Orphanet 2290, MedGen C0341306, MONDO:0009635, OMIM 251850.

gnomAD v4.1: 20 of 1,614,124 alleles (0.0012%); highest among the groups gnomAD compares: Non-Finnish European, 0.0017%; no homozygotes.

Submissions (2):

3billion
Classification: Uncertain significance for Cholestasis, progressive familial intrahepatic, 10. Last evaluated: 2025-03-21. Review status: criteria provided, single submitter. Criteria: ACMG Guidelines, 2015. Collection method: clinical testing. Allele origin: germline. Affected: yes.

Aleixo Muise Laboratory, Hospital For Sick Children
Classification: Likely pathogenic for Congenital microvillous atrophy. Last evaluated: 2024-07-05. Review status: criteria provided, single submitter. Criteria: ACMG Guidelines, 2015. Collection method: research. Allele origin: germline. Affected: yes. Observed: 1 variant allele.
Comment: PM2;PM3;PP3;PP4